The following is an entry in ClinVar:

ClinVar aggregate classification (germline): Benign/Likely benign. Review status: criteria provided, multiple submitters, no conflicts (2 of 4 stars). 3 submissions from 3 submitters: Benign (1); Likely benign (2). Last evaluated 2026-01-22.

Conditions:
GUF1-related disorder. Also called: GUF1-related condition.

Allele frequency attached by ClinVar (database versions not stated): gnomAD exomes 0.00020 and 0.00006; ExAC 0.00023; gnomAD 0.00081 and 0.00085; ESP Exome Variant Server 0.00085; 1000 Genomes Project 0.00100; 1000 Genomes Project 30x 0.00109.

Submissions (3):

PreventionGenetics, part of Exact Sciences
Classification: Likely benign for GUF1-related condition. Last evaluated: 2026-01-22. Review status: criteria provided, single submitter. Criteria: ACMG Guidelines, 2015. Collection method: clinical testing. Allele origin: germline.
Comment: This variant is classified as likely benign based on ACMG/AMP sequence variant interpretation guidelines (Richards et al. 2015 PMID: 25741868, with internal and published modifications).

Labcorp Genetics (formerly Invitae), Labcorp
Classification: Benign. Last evaluated: 2025-10-23. Review status: criteria provided, single submitter. Criteria: Invitae Variant Classification Sherloc (09022015). Collection method: clinical testing. Allele origin: germline.

Blueprint Genetics
Classification: Likely benign. Last evaluated: 2024-08-26. Review status: criteria provided, single submitter. Criteria: ACMG Guidelines, 2015. Collection method: clinical testing. Allele origin: germline.

NM_021927.3(GUF1):c.654T>C (p.Ser218=)

Gene: GUF1 (GTP binding elongation factor GUF1; plus strand). Cytogenetic location: 4p12.
Variant type: single nucleotide variant.
Coding change: c.654T>C on transcript NM_021927.3 (MANE Select); coding-DNA position 654, T replaced by C.
Protein change: p.Ser218=; no amino-acid change (serine 218 retained).
Molecular consequence: synonymous variant. On other transcripts: 5 prime UTR variant (2).
Genome position (GRCh38, 1-based): chr4:44,683,303, T>C. VCF-style: chr4-44683303-T-C. GRCh37 (hg19) VCF-style: chr4-44685320-T-C.
Other names: c.654T>C (NM_021927.2); c.-319T>C (NM_001345867.2, NM_001345869.2); c.654T>C, p.Ser218= (NM_001345868.2).
Identifiers: ClinVar variation 1533853 (VCV001533853.10), dbSNP rs115956256, ClinGen allele CA2905376.